The following is an entry in ClinVar:

ClinVar aggregate classification (germline): Uncertain significance (1 of 4 stars; one submission).

Submission:

Labcorp Genetics (formerly Invitae), Labcorp
Classification: Uncertain significance. Last evaluated: 2024-09-22. Review status: criteria provided, single submitter. Criteria: Invitae Variant Classification Sherloc (09022015). Collection method: clinical testing. Allele origin: germline.
Comment: This sequence change replaces leucine, which is neutral and non-polar, with phenylalanine, which is neutral and non-polar, at codon 1127 of the JAK1 protein (p.Leu1127Phe). This variant is not present in population databases (gnomAD no frequency). This variant has not been reported in the literature in individuals affected with JAK1-related conditions. Invitae Evidence Modeling of protein sequence and biophysical properties (such as structural, functional, and spatial information, amino acid conservation, physicochemical variation, residue mobility, and thermodynamic stability) indicates that this missense variant is not expected to disrupt JAK1 protein function with a negative predictive value of 80%. In summary, the available evidence is currently insufficient to determine the role of this variant in disease. Therefore, it has been classified as a Variant of Uncertain Significance.

NM_002227.4(JAK1):c.3379C>T (p.Leu1127Phe)

Gene: JAK1 (Janus kinase 1; minus strand). Cytogenetic location: 1p31.3.
Variant type: single nucleotide variant.
Coding change: c.3379C>T on transcript NM_002227.4 (MANE Select); coding-DNA position 3379, C replaced by T.
Protein change: p.Leu1127Phe; replaces leucine 1127 with phenylalanine.
Molecular consequence: missense variant.
Genome position (GRCh38, 1-based): chr1:64,834,648, G>A on the plus strand (C>T on the coding strand, the complement: JAK1 is on the minus strand). VCF-style: chr1-64834648-G-A. GRCh37 (hg19) VCF-style: chr1-65300331-G-A.
Other names: c.3379C>T, p.Leu1127Phe (NM_001320923.2, NM_001321852.2, NM_001321853.2 and 3 more transcripts); c.3376C>T, p.Leu1126Phe (NM_001321857.2); short protein forms L1126F, L1127F.
Identifiers: ClinVar variation 3699020 (VCV003699020.2).
Genomic context (GRCh38, chr1:64,834,648, plus strand): 5'-CAATAAGGTTCTGAAAGCTTGTCCGATTGGATGGTTGGAATTCCCAGCATTTCCTCATAA[G>A]TTGATAAACCTGTAAAAAGAAAGAAGTAACAACAGTAAAAATGTTAGATCTGGGAACTTT-3'
Protein context (NP_002218.2, residues 1117-1137): PPNCPDEVYQ[Leu1127Phe]MRKCWEFQPS